The following is an entry in ClinVar:

NM_000153.4(GALC):c.516_517del (p.Tyr173fs)

Gene: GALC (galactosylceramidase; minus strand). Cytogenetic location: 14q31.3.
Variant type: Deletion.
Coding change: c.516_517del on transcript NM_000153.4 (MANE Select); coding-DNA positions 516 to 517, 2 bases deleted (CT; older notation c.516_517delCT).
Protein change: p.Tyr173fs; shifts the reading frame from tyrosine 173.
Molecular consequence: frameshift variant.
Genome position (GRCh38, 1-based): chr14:87,984,459-87,984,460, AG deleted on the plus strand (CT on the coding strand, the reverse complement: GALC is on the minus strand). VCF-style (leftmost placement, unchanged base first): chr14-87984458-TAG-T. GRCh37 (hg19) VCF-style: chr14-88450802-TAG-T.
Other names: c.447_448del, p.Tyr150fs (NM_001201401.2); c.438_439del, p.Tyr147fs (NM_001201402.2); c.516_517delCT (NM_000153.3); short protein forms Y147fs, Y150fs, Y173fs.
Identifiers: ClinVar variation 2414224 (VCV002414224.12), dbSNP rs1265628439, ClinGen allele CA615278297.

ClinVar aggregate classification (germline): Pathogenic/Likely pathogenic. Review status: criteria provided, multiple submitters, no conflicts (2 of 4 stars). 3 submissions from 3 submitters: Pathogenic (1); Likely pathogenic (2). Last evaluated 2024-07-09.

Conditions:
Galactosylceramide beta-galactosidase deficiency. Also called: Leukodystrophy, Globoid Cell; Krabbe Disease; GALACTOCEREBROSIDASE DEFICIENCY; GALC DEFICIENCY; GLOBOID CELL LEUKOENCEPHALOPATHY. Identifiers: Orphanet 487, MedGen C0023521, MONDO:0009499, OMIM 245200.

Allele frequency attached by ClinVar (database versions not stated): gnomAD 0.00001; gnomAD exomes 0.00002.

Submissions (3):

Natera, Inc.
Classification: Likely pathogenic for Galactosylceramide beta-galactosidase deficiency. Last evaluated: 2024-07-09. Review status: criteria provided, single submitter. Criteria: Natera Variant Classification Schema (03/2026). Collection method: clinical testing. Allele origin: germline.
Comment: The c.516_517delCT variant in GALC is a frameshift variant predicted to shift the reading frame beginning at codon 173 and leads to a stop codon 14 codons downstream. This variant is expected to result in nonsense mediated decay, truncation, or a dysfunctional protein product. This variant is rare in the general population with a frequency below the threshold expected for the associated phenotype(s). Given the available evidence, this variant is classified as Likely Pathogenic.

Fulgent Genetics
Classification: Likely pathogenic for Galactosylceramide beta-galactosidase deficiency. Last evaluated: 2024-06-12. Review status: criteria provided, single submitter. Criteria: ACMG Guidelines, 2015. Collection method: clinical testing. Allele origin: germline.

Labcorp Genetics (formerly Invitae), Labcorp
Classification: Pathogenic for Galactosylceramide beta-galactosidase deficiency. Last evaluated: 2023-06-19. Review status: criteria provided, single submitter. Criteria: Invitae Variant Classification Sherloc (09022015). Collection method: clinical testing. Allele origin: germline.
Comment: This variant is present in population databases (no rsID available, gnomAD 0.01%). This sequence change creates a premature translational stop signal (p.Tyr173Leufs*14) in the GALC gene. It is expected to result in an absent or disrupted protein product. Loss-of-function variants in GALC are known to be pathogenic (PMID: 7437911, 9272171, 16607461). This variant has not been reported in the literature in individuals affected with GALC-related conditions. For these reasons, this variant has been classified as Pathogenic. ClinVar contains an entry for this variant (Variation ID: 2414224).

Literature cited by the submitters: PubMed 7437911 (cited by Labcorp Genetics (formerly Invitae), Labcorp); PubMed 9272171 (cited by Labcorp Genetics (formerly Invitae), Labcorp); PubMed 16607461 (cited by Labcorp Genetics (formerly Invitae), Labcorp).